The following is an entry in ClinVar:

ClinVar aggregate classification (germline): Uncertain significance (1 of 4 stars; one submission).

Conditions:
Cardiovascular phenotype. Identifiers: MedGen CN230736.

Allele frequency attached by ClinVar (database versions not stated): gnomAD 0.00001; gnomAD exomes 0.00001; TOPMed 0.00001.

Submission:

Ambry Genetics
Classification: Uncertain significance for Cardiovascular phenotype. Last evaluated: 2020-01-06. Review status: criteria provided, single submitter. Criteria: Ambry Variant Classification Scheme 2023. Collection method: clinical testing. Allele origin: germline.
Comment: The p.D121G variant (also known as c.362A>G), located in coding exon 3 of the MYOZ2 gene, results from an A to G substitution at nucleotide position 362. The aspartic acid at codon 121 is replaced by glycine, an amino acid with similar properties. This amino acid position is poorly conserved in available vertebrate species. In addition, this alteration is predicted to be tolerated by in silico analysis. Since supporting evidence is limited at this time, the clinical significance of this alteration remains unclear.

NM_016599.5(MYOZ2):c.362A>G (p.Asp121Gly)

Gene: MYOZ2 (myozenin 2; plus strand). Cytogenetic location: 4q26.
Variant type: single nucleotide variant.
Coding change: c.362A>G on transcript NM_016599.5 (MANE Select); coding-DNA position 362, A replaced by G.
Protein change: p.Asp121Gly; replaces aspartic acid 121 with glycine.
Molecular consequence: missense variant.
Genome position (GRCh38, 1-based): chr4:119,158,137, A>G. VCF-style: chr4-119158137-A-G. GRCh37 (hg19) VCF-style: chr4-120079292-A-G.
Other names: short protein forms D121G.
Identifiers: ClinVar variation 1733387 (VCV001733387.2), dbSNP rs1311299735, ClinGen allele CA358204028.